The following is an entry in ClinVar:

ClinVar aggregate classification (germline): Likely pathogenic. Review status: criteria provided, single submitter (1 of 4 stars). 2 submissions from 2 submitters: Likely pathogenic (1). 1 of the submissions does not count toward it. Last evaluated 2024-01-05.

Conditions:
ZFP57-related disorder. Also called: ZFP57-related condition.
Diabetes mellitus, transient neonatal, 1 (TNDM1). Also called: Diabetes Mellitus, 6q24-Related Transient Neonatal. Identifiers: Orphanet 99886, MedGen C1832386, MONDO:0011073, OMIM 601410.

Allele frequency attached by ClinVar (database versions not stated): ExAC 0.00003; gnomAD 0.00007; TOPMed 0.00009.

Submissions (2):

Laboratory for Molecular Medicine, Mass General Brigham Personalized Medicine
Classification: Likely pathogenic for Diabetes mellitus, transient neonatal, 1. Last evaluated: 2024-01-05. Review status: criteria provided, single submitter. Criteria: ACMG Guidelines, 2015. Collection method: clinical testing. Allele origin: germline. Inheritance: Autosomal recessive inheritance.
Comment: The p.Gln150X variant in ZFP57 has not been previously reported in individuals with transient neonatal diabetes (TND) but has been identified in 0.027% (11/41470) of African chromosomes by gnomAD (v.3.1.2). This nonsense variant leads to a premature termination codon at position 150. Though this alteration occurs within the last exon, it removes over 60% of the protein. The majority of loss of function variants reported to date in individuals with TND occur downstream of this variant (ClinVar, HGMD). Loss of function variants in the ZFP57 gene have been reported in individuals with autosomal recessive transient neonatal diabetes (MacKay 2008 PMID: 18622393, Touati 2019 PMID: 30315371). In summary, although additional studies are required to fully establish its clinical significance, this variant meets criteria to be classified as likely pathogenic for autosomal recessive transient neonatal diabetes. ACMG/AMP Criteria applied: PVS1, PM2_Supporting.

PreventionGenetics, part of Exact Sciences
Classification: Likely pathogenic for ZFP57-related condition. Last evaluated: 2024-01-03. Review status: no assertion criteria provided. Collection method: clinical testing. Allele origin: germline. Not counted in ClinVar's aggregate classification.
Comment: The ZFP57 c.448C>T variant is predicted to result in premature protein termination (p.Gln150*). To our knowledge, this variant has not been reported in the literature. This variant is reported in 0.022% of alleles in individuals of African descent in gnomAD. Nonsense variants in ZFP57 are expected to be pathogenic. This variant is interpreted as likely pathogenic.

Literature cited by the submitters: PubMed 18622393 (cited by Laboratory for Molecular Medicine, Mass General Brigham Personalized Medicine); PubMed 30315371 (cited by Laboratory for Molecular Medicine, Mass General Brigham Personalized Medicine).

NM_001109809.5(ZFP57):c.448C>T (p.Gln150Ter)

Gene: ZFP57 (ZFP57 zinc finger protein; minus strand). Cytogenetic location: 6p22.1.
Variant type: single nucleotide variant.
Coding change: c.448C>T on transcript NM_001109809.5 (MANE Select); coding-DNA position 448, C replaced by T.
Protein change: p.Gln150Ter; replaces glutamine 150 with a stop codon.
Molecular consequence: nonsense.
Genome position (GRCh38, 1-based): chr6:29,673,663, G>A on the plus strand (C>T on the coding strand, the complement: ZFP57 is on the minus strand). VCF-style: chr6-29673663-G-A. GRCh37 (hg19) VCF-style: chr6-29641440-G-A.
Other names: c.232C>T, p.Gln78Ter (NM_001366333.2); c.448C>T (NM_001109809.2); short protein forms Q150*, Q78*.
Identifiers: ClinVar variation 3048727 (VCV003048727.3), dbSNP rs762074022, ClinGen allele CA3690817.